The following is an entry in ClinVar:

NM_001165963.4(SCN1A):c.2585G>A (p.Arg862Gln)

Gene: SCN1A (sodium voltage-gated channel alpha subunit 1; minus strand). Cytogenetic location: 2q24.3.
Variant type: single nucleotide variant.
Coding change: c.2585G>A on transcript NM_001165963.4 (MANE Select); coding-DNA position 2585, G replaced by A.
Protein change: p.Arg862Gln; replaces arginine 862 with glutamine.
Molecular consequence: missense variant. On other transcripts: non-coding transcript variant (1).
Genome position (GRCh38, 1-based): chr2:166,039,427, C>T on the plus strand (G>A on the coding strand, the complement: SCN1A is on the minus strand). VCF-style: chr2-166039427-C-T. GRCh37 (hg19) VCF-style: chr2-166895937-C-T.
Other names: c.2552G>A, p.Arg851Gln (NM_001353951.2, NM_001353949.2, NM_001353950.2 and 2 more transcripts); c.2501G>A, p.Arg834Gln (NM_001165964.3, NM_001353957.2, NM_001353958.2); c.2585G>A, p.Arg862Gln (NM_001202435.3, NM_001353948.2); c.2549G>A, p.Arg850Gln (NM_001353954.2, NM_001353955.2); c.2498G>A, p.Arg833Gln (NM_001353960.2); c.143G>A, p.Arg48Gln (NM_001353961.2); short protein forms R851Q, R862Q, R833Q, R834Q, R850Q, R48Q.
Identifiers: ClinVar variation 68593 (VCV000068593.50), dbSNP rs121918785, ClinGen allele CA285069.

ClinVar aggregate classification (germline): Conflicting classifications of pathogenicity. Review status: criteria provided, conflicting classifications (1 of 4 stars). 7 submissions from 7 submitters: Pathogenic (4); Likely pathogenic (1); Uncertain significance (1). 1 of the submissions does not count toward it. Last evaluated 2025-08-08.

Conditions:
Early-infantile DEE. Also called: Ohtahara syndrome; Early infantile epileptic encephalopathy with suppression bursts; Early infantile epileptic encephalopathy. Identifiers: Orphanet 1934, MedGen C0393706, MONDO:0800491.
SCN1A-related disorder. Also called: SCN1A-related disorders; SCN1A-related conditions; SCN1A-related condition.
Severe myoclonic epilepsy in infancy (DRVT). Also called: DEVELOPMENTAL AND EPILEPTIC ENCEPHALOPATHY 6A; Severe Myoclonic Epilepsy in Infancy (SMEI); Epileptic encephalopathy, early infantile, 6 (Dravet syndrome); SEVERE MYOCLONIC EPILEPSY OF INFANCY; Dravet syndrome. Identifiers: Orphanet 33069, MedGen C0751122, MONDO:0100135, OMIM 607208.

Submissions (7):

Labcorp Genetics (formerly Invitae), Labcorp
Classification: Pathogenic for Early-infantile DEE. Last evaluated: 2025-08-08. Review status: criteria provided, single submitter. Criteria: Invitae Variant Classification Sherloc (09022015). Collection method: clinical testing. Allele origin: germline.
Comment: This sequence change replaces arginine, which is basic and polar, with glutamine, which is neutral and polar, at codon 862 of the SCN1A protein (p.Arg862Gln). The frequency data for this variant in the population databases is considered unreliable, as metrics indicate poor data quality at this position in the gnomAD database. This missense change has been observed in individual(s) with Dravet syndrome (PMID: 20110217, 21248271). In at least one individual the variant was observed to be de novo. ClinVar contains an entry for this variant (Variation ID: 68593). Invitae Evidence Modeling of protein sequence and biophysical properties (such as structural, functional, and spatial information, amino acid conservation, physicochemical variation, residue mobility, and thermodynamic stability) indicates that this missense variant is expected to disrupt SCN1A protein function with a positive predictive value of 95%. For these reasons, this variant has been classified as Pathogenic.

Blueprint Genetics
Classification: Pathogenic for SCN1A-related disorders. Last evaluated: 2022-06-07. Review status: criteria provided, single submitter. Criteria: ACMG Guidelines, 2015. Collection method: clinical testing. Allele origin: germline. Affected: yes. Observed: 3 variant alleles.

CeGaT Center for Human Genetics Tuebingen
Classification: Pathogenic. Last evaluated: 2021-08-01. Review status: criteria provided, single submitter. Criteria: CeGaT Center For Human Genetics Tuebingen Variant Classification Criteria Version 2. Collection method: clinical testing. Allele origin: germline. Affected: yes. Observed: 1 variant allele.

Athena Diagnostics
Classification: Likely pathogenic. Last evaluated: 2020-06-23. Review status: criteria provided, single submitter. Criteria: Athena Diagnostics Criteria. Collection method: clinical testing. Allele origin: unknown.
Comment: The frequency of this variant in the general population is consistent with pathogenicity. Predicted to have a damaging effect on the protein. Located in potentially critical domain of the protein. 2 de novo cases with parental identity not confirmed.

Eurofins Ntd Llc (ga)
Classification: Uncertain significance. Last evaluated: 2017-05-05. Review status: criteria provided, single submitter. Criteria: EGL Classification Definitions 2015. Collection method: clinical testing. Allele origin: germline. Observed: 1 variant allele, 1 heterozygote.

Center for Bioinformatics, Peking University
Classification: Pathogenic for Dravet syndrome. Last evaluated: 2014-12-20. Review status: criteria provided, single submitter. Criteria: Xu et al. (Hum Mutat. 2015). Collection method: research. Allele origin: de novo. Affected: yes. Observed: 1 variant allele. Study: University Clinical Cooperation “985 Project” PKU-2014-1-1.
Comment: Dravet syndrome (DS) probands were recruited from the outpatient and inpatient child neurology units of Peking University First Hospital from 2005 till present. The study was approved by the Ethics Committee of Peking University First Hospital and the Institutional Review Board at Peking University. Participants or their parents provided written informed consent before enrollment. We collected a total of 267 mutations from 255 families with probands diagnosed with DS in China. All probands fulfilled the clinical diagnostic criteria.

UniProtKB/Swiss-Prot
No classification provided. Condition: Severe myoclonic epilepsy in infancy. Review status: no classification provided. Collection method: not provided. Allele origin: not provided. Not counted in ClinVar's aggregate classification.

Literature cited by the submitters: PubMed 20110217 (cited by 3 submitters); PubMed 21248271 (cited by 3 submitters); PubMed 28150151 (cited by Athena Diagnostics).